The following continues an entry in ClinVar:

NM_000059.4(BRCA2):c.4631del (p.Asn1544fs)

Gene: BRCA2. ClinVar aggregate classification (germline): Pathogenic. Pathogenic (1).

Submissions 11 to 24 of 28:

All of Us Research Program, National Institutes of Health
Classification: Pathogenic for BRCA2-related cancer predisposition. Last evaluated: 2024-07-29. Review status: criteria provided, single submitter. Criteria: ACMG Guidelines, 2015. Collection method: clinical testing. Allele origin: germline. Inheritance: Autosomal dominant inheritance. Observed: 2 variant alleles, 2 heterozygotes. Not counted in ClinVar's aggregate classification.
Comment: This variant deletes 1 nucleotide in exon 11 of the BRCA2 gene, creating a frameshift and premature translation stop signal. This variant is expected to result in an absent or non-functional protein product. To our knowledge, functional studies have not been reported for this variant. This variant has been reported in individuals affected with breast or ovarian cancer (PMID: 10498392, 11920621, 17148771, 21324516, 26681312, 27153395, 30430080). This variant has been identified in 1/250170 chromosomes in the general population by the Genome Aggregation Database (gnomAD). Loss of BRCA2 function is a known mechanism of disease. Based on the available evidence, this variant is classified as Pathogenic.

This study involves interpretation of variants in research participants for the purpose of population health screening. Participant phenotype was not available at the time of variant classification. Additional details can be found in publication PMID: 35346344, PMCID: PMC8962531

Quest Diagnostics Nichols Institute San Juan Capistrano
Classification: Pathogenic. Last evaluated: 2024-04-30. Review status: criteria provided, single submitter. Criteria: Quest Diagnostics criteria. Collection method: clinical testing. Allele origin: unknown. Not counted in ClinVar's aggregate classification.
Comment: The BRCA2 c.4631del (p.Asn1544Thrfs*24) variant alters the translational reading frame of the BRCA2 mRNA and causes the premature termination of BRCA2 protein synthesis. This variant has been reported in the published literature in multiple individuals with hereditary breast and/or ovarian cancer (PMID: 10498392 (1999), 11179017 (2001), 11920621 (2002), 20807450 (2010), 21324516 (2011), 30322717 (2018), 31372034 (2019), 32885271 (2021)) and is described as a founder mutation in the Filipino population (PMID: 11920621 (2002), 17591843 (2007)). This variant was also seen in a reportedly healthy individual (PMID: 32719484 (2020)). The frequency of this variant in the general population, 0.000004 (1/250170 chromosomes (Genome Aggregation Database)), is consistent with pathogenicity. Based on the available information, this variant is classified as pathogenic.

Color Diagnostics, LLC DBA Color Health
Classification: Pathogenic for Hereditary cancer-predisposing syndrome. Last evaluated: 2024-04-26. Review status: criteria provided, single submitter. Criteria: ACMG Guidelines, 2015. Collection method: clinical testing. Allele origin: germline. Not counted in ClinVar's aggregate classification.
Comment: This variant deletes 1 nucleotide in exon 11 of the BRCA2 gene, creating a frameshift and premature translation stop signal. This variant is expected to result in an absent or non-functional protein product. This variant is also known as 4859delA in the literature. This variant has been reported in individuals affected with breast or ovarian cancer (PMID: 11920621, 17148771, 21324516, 26681312, 27153395, 30430080, 31372034, 32885271). This variant has been identified in 1/250170 chromosomes in the general population by the Genome Aggregation Database (gnomAD). Loss of BRCA2 function is a known mechanism of disease. Based on the available evidence, this variant is classified as Pathogenic.

Baylor Genetics
Classification: Pathogenic for Familial cancer of breast. Last evaluated: 2024-03-21. Review status: criteria provided, single submitter. Criteria: ACMG Guidelines, 2015. Collection method: clinical testing. Allele origin: unknown. Not counted in ClinVar's aggregate classification.

Illumina Laboratory Services, Illumina
Classification: Pathogenic for Breast-ovarian cancer, familial, susceptibility to, 2. Last evaluated: 2023-09-05. Review status: criteria provided, single submitter. Criteria: ICSLVariantClassificationCriteria RUGD 01 April 2020. Collection method: clinical testing. Allele origin: unknown. Not counted in ClinVar's aggregate classification.
Comment: The BRCA2 c.4631del p.(Asn1544ThrfsTer24) variant causes a shift in the protein reading frame that is predicted to result in premature termination of the protein. Loss of normal protein function through either protein truncation or nonsense-mediated mRNA decay is expected. Across a selection of the available literature, this variant, which is also described as c.4856delA and c.4859delA, has been reported in a heterozygous state in at least eight individuals with breast or ovarian cancer and has been shown to be a founder variant in the Philippines (PMID: 11920621; 21324516; 31372034; 11179017; 20807450). This variant is not observed at a significant frequency in version 2.1.1 or version 3.1.2 of the Genome Aggregation Database. This variant has been classified as pathogenic by multiple submitters in ClinVar, including the ENIGMA expert panel. Based on the available evidence, the c.4631del p.(Asn1544ThrfsTer24) variant is classified as pathogenic for hereditary breast and ovarian cancer.

Revvity Omics, Revvity
Classification: Pathogenic. Last evaluated: 2020-09-11. Review status: criteria provided, single submitter. Criteria: ACMG Guidelines, 2015. Collection method: clinical testing. Allele origin: germline. Not counted in ClinVar's aggregate classification.

GeneDx
Classification: Pathogenic. Last evaluated: 2020-01-21. Review status: criteria provided, single submitter. Criteria: GeneDx Variant Classification Process June 2021. Collection method: clinical testing. Allele origin: germline. Affected: yes. Not counted in ClinVar's aggregate classification.
Comment: Frameshift variant predicted to result in protein truncation or nonsense mediated decay in a gene for which loss-of-function is a known mechanism of disease; Observed in individuals with BRCA2-related cancers, and has been described as a recurrent variant in the Filipino population (Risch 2001, De Leon-Matsuda 2002, Zhang 2011); Not observed in large population cohorts (Lek 2016); Truncating variants in this gene are considered pathogenic by a well-established clinical consortium and/or database; Also known as 4859delA; This variant is associated with the following publications: (PMID: 26681312, 18779604, 10498392, 30720243, 21324516, 11179017, 17591843, 11920621, 28454591, 26187060, 23364291, 17148771, 30322717, 31372034, 29625052, 31887429)

GeneKor MSA
Classification: Pathogenic. Last evaluated: 2020-01-01. Review status: criteria provided, single submitter. Criteria: ACMG Guidelines, 2015. Collection method: clinical testing. Allele origin: germline. Not counted in ClinVar's aggregate classification.
Comment: This variant is a single base pair deletion at amino acid residue 1544 of the BRCA2 gene. It results in a frame-shift creating a new stop codon after 24 amino acids, thus resulting in a truncated protein. This mutation has been described in international bibliography as pathogenic.

Laboratory for Molecular Medicine, Mass General Brigham Personalized Medicine
Classification: Pathogenic for Hereditary breast ovarian cancer syndrome. Last evaluated: 2019-10-14. Review status: criteria provided, single submitter. Criteria: ACMG Guidelines, 2015. Collection method: clinical testing. Allele origin: germline. Not counted in ClinVar's aggregate classification.
Comment: The p.Asn1544ThrfsX24 variant in BRCA2 (also referred to in the literature as c.4859delA) is a founder variant in the Phillipines and has been reported in >20 individuals with BRCA2-related cancers (Hopper 1999, Zhang 2011, De Leon Matsuda 2002, BIC database). It has also been identified in 1/34418 Latino chromosomes by gnomAD; however, this frequency is low enough to be consistent with the frequency of hereditary breast and ovarian cancer (HBOC) in the general population. This variant is predicted to cause a frameshift, which alters the protein’s amino acid sequence beginning at position 1544 and leads to a premature termination codon 24 amino acids downstream. This alteration is then predicted to lead to a truncated or absent protein. Loss of function of the BRCA2 gene is an established disease mechanism in autosomal dominant hereditary breast and ovarian cancer syndrome (HBOC). Additionally, this variant was classified as Pathogenic on Sept 8 2016 by the ClinGen-approved ENIGMA expert panel (Variation ID: 37913). In summary, this variant meets criteria to be classified as pathogenic for autosomal dominant HBOC. ACMG/AMP Criteria applied: PVS1, PM2, PS4.

Cancer Genetics and Genomics Laboratory, British Columbia Cancer Agency
Classification: Pathogenic for Hereditary breast ovarian cancer syndrome. Last evaluated: 2017-04-18. Review status: criteria provided, single submitter. Criteria: ACMG Guidelines, 2015. Collection method: clinical testing. Allele origin: germline. Study: The Canadian Open Genetics Repository (COGR). Not counted in ClinVar's aggregate classification.

Women's Health and Genetics/Laboratory Corporation of America, LabCorp
Classification: Pathogenic for Hereditary breast ovarian cancer syndrome. Last evaluated: 2016-05-02. Review status: criteria provided, single submitter. Criteria: LabCorp Variant Classification Summary - May 2015. Collection method: clinical testing. Allele origin: germline. Not counted in ClinVar's aggregate classification.
Comment: Variant summary: The variant of interest causes a frameshift mutation resulting in a premature termination codon, a known mechanism for disease, as these types of variants are predicted to cause transcript degradation through nonsense mediated decay or produce a truncated protein. The variant of interest was observed in the large, broad control population, ExAC, 1/120458, although this observance needs to be cautiously considered due to the cohort harboring individuals with a phenotype that could harbor a BRCA2 mutation. The variant of interest has been reported in multiple affected individuals via publications, along with multiple reputable databases/clinical laboratories citing the variant as "pathogenic." Therefore, the variant of interest is classified as Pathogenic.

Consortium of Investigators of Modifiers of BRCA1/2 (CIMBA), c/o University of Cambridge
Classification: Pathogenic for Breast-ovarian cancer, familial, susceptibility to, 2. Last evaluated: 2015-10-02. Review status: criteria provided, single submitter. Criteria: CIMBA Mutation Classification guidelines May 2016. Collection method: clinical testing. Allele origin: germline. Not counted in ClinVar's aggregate classification.

University Health Network, Familial Cancer Clinic, Princess Margaret Cancer Centre
Classification: Pathogenic for BRCA2-related cancer predisposition. Review status: criteria provided, single submitter. Criteria: ACMG Guidelines, 2015. Collection method: clinical testing. Allele origin: germline. Inheritance: Autosomal dominant inheritance. Affected: yes. Observed: 1 variant allele. Not counted in ClinVar's aggregate classification.

Counsyl
Classification: Pathogenic for Breast-ovarian cancer, familial 2. Last evaluated: 2015-01-28. Review status: no assertion criteria provided. Collection method: literature only. Allele origin: unknown. Inheritance: Autosomal dominant inheritance. Not counted in ClinVar's aggregate classification.